The following is an entry in ClinVar:

NM_000238.4(KCNH2):c.1129-244G>A

Gene: KCNH2 (potassium voltage-gated channel subfamily H member 2; minus strand). Cytogenetic location: 7q36.1.
Variant type: single nucleotide variant.
Coding change: c.1129-244G>A on transcript NM_000238.4 (MANE Select); 244 bases into the intron before coding-DNA position 1129, G replaced by A.
Molecular consequence: intron variant.
Genome position (GRCh38, 1-based): chr7:150,953,097, C>T on the plus strand (G>A on the coding strand, the complement: KCNH2 is on the minus strand). VCF-style: chr7-150953097-C-T. GRCh37 (hg19) VCF-style: chr7-150650185-C-T.
Other names: c.841-244G>A (NM_001406753.1, NM_001406756.1); c.109-244G>A (NM_172057.3, NM_001204798.2); c.1129-244G>A (NM_172056.3); c.952-244G>A (NM_001406755.1); c.829-244G>A (NM_001406757.1).
Identifiers: ClinVar variation 679489 (VCV000679489.3), dbSNP rs41314378, ClinGen allele CA12621898.

ClinVar aggregate classification (germline): Benign (1 of 4 stars; one submission).

Allele frequency attached by ClinVar (database versions not stated): 1000 Genomes Project 0.01617; gnomAD 0.01674 and 0.01812; 1000 Genomes Project 30x 0.01686; TOPMed 0.01952.
gnomAD v4.1: 2,532 of 152,268 alleles (1.7%); highest among the groups gnomAD compares: African/African-American, 5.8%; 69 homozygotes.

Submission:

GeneDx
Classification: Benign. Last evaluated: 2018-06-19. Review status: criteria provided, single submitter. Criteria: GeneDx Variant Classification (06012015). Collection method: clinical testing. Allele origin: germline. Affected: yes.
Comment: This variant is considered likely benign or benign based on one or more of the following criteria: it is a conservative change, it occurs at a poorly conserved position in the protein, it is predicted to be benign by multiple in silico algorithms, and/or has population frequency not consistent with disease.